The following is an entry in ClinVar:

NM_024587.4(TMEM53):c.433G>C (p.Ala145Pro)

Gene: TMEM53 (transmembrane protein 53; minus strand). Cytogenetic location: 1p34.1.
Variant type: single nucleotide variant.
Coding change: c.433G>C on transcript NM_024587.4 (MANE Select); coding-DNA position 433, G replaced by C.
Protein change: p.Ala145Pro; replaces alanine 145 with proline.
Molecular consequence: missense variant.
Genome position (GRCh38, 1-based): chr1:44,654,960, C>G on the plus strand (G>C on the coding strand, the complement: TMEM53 is on the minus strand). VCF-style: chr1-44654960-C-G. GRCh37 (hg19) VCF-style: chr1-45120632-C-G.
Other names: c.214G>C, p.Ala72Pro (NM_001300746.2); c.343G>C, p.Ala115Pro (NM_001300747.2); c.340G>C, p.Ala114Pro (NM_001300748.2); short protein forms A114P, A115P, A145P, A72P.
Identifiers: ClinVar variation 4846950 (VCV004846950.1).

ClinVar aggregate classification (germline): Uncertain significance (1 of 4 stars; one submission).

Conditions:
Craniotubular dysplasia, Ikegawa type (CTDI). Identifiers: MedGen C5575335, MONDO:0859226, OMIM 619727.

gnomAD v4.1: 6 of 1,613,700 alleles (0.00037%); highest among the groups gnomAD compares: African/African-American, 0.0067%; no homozygotes.

Submission:

Laboratorio de Genetica e Diagnostico Molecular, Hospital Israelita Albert Einstein
Classification: Uncertain significance for Craniotubular dysplasia, Ikegawa type. Last evaluated: 2025-08-25. Review status: criteria provided, single submitter. Criteria: ACMG Guidelines, 2015. Collection method: clinical testing. Allele origin: germline. Affected: yes.
Comment: ACMG classification criteria: PM2 supporting, PM3 supporting, BP4 supporting